The following is an entry in ClinVar:

ClinVar aggregate classification (germline): Uncertain significance (1 of 4 stars; one submission).

gnomAD v4.1: 13 of 1,609,572 alleles (0.00081%); highest among the groups gnomAD compares: Non-Finnish European, 0.00093%; no homozygotes.

Submission:

CeGaT Center for Human Genetics Tuebingen
Classification: Uncertain significance. Last evaluated: 2026-04-01. Review status: criteria provided, single submitter. Criteria: CeGaT Center For Human Genetics Tuebingen Variant Classification Criteria Version 2. Collection method: clinical testing. Allele origin: germline. Affected: yes. Observed: 1 variant allele.
Comment: POGZ: PP2, BP4

NM_015100.4(POGZ):c.1231C>A (p.Leu411Met)

Gene: POGZ (pogo transposable element derived with ZNF domain; minus strand). Cytogenetic location: 1q21.3.
Variant type: single nucleotide variant.
Coding change: c.1231C>A on transcript NM_015100.4 (MANE Select); coding-DNA position 1231, C replaced by A.
Protein change: p.Leu411Met; replaces leucine 411 with methionine.
Molecular consequence: missense variant.
Genome position (GRCh38, 1-based): chr1:151,424,241, G>T on the plus strand (C>A on the coding strand, the complement: POGZ is on the minus strand). VCF-style: chr1-151424241-G-T. GRCh37 (hg19) VCF-style: chr1-151396717-G-T.
Other names: c.1204C>A, p.Leu402Met (NM_001194937.2); c.1045C>A, p.Leu349Met (NM_001194938.2); c.1252C>A, p.Leu418Met (NM_001410860.1); c.946C>A, p.Leu316Met (NM_145796.4); c.1072C>A, p.Leu358Met (NM_207171.2); short protein forms L316M, L349M, L358M, L402M, L411M, L418M.
Identifiers: ClinVar variation 4872934 (VCV004872934.2).